The following is an entry in ClinVar:

ClinVar aggregate classification (germline): Benign (1 of 4 stars; one submission).

Conditions:
Long QT syndrome 12 (LQT12). Identifiers: Orphanet 101016, Orphanet 768, MedGen C2751830, MONDO:0013062, OMIM 612955.

Allele frequency attached by ClinVar (database versions not stated): gnomAD 0.00841 and 0.00900; TOPMed 0.00945; 1000 Genomes Project 0.00998; 1000 Genomes Project 30x 0.01124.
gnomAD v4.1: 1,519 of 366,034 alleles (0.41%); highest among the groups gnomAD compares: African/African-American, 2.8%; 19 homozygotes.

Submission:

Illumina Laboratory Services, Illumina
Classification: Benign for Long QT syndrome 12. Last evaluated: 2018-01-12. Review status: criteria provided, single submitter. Criteria: ICSL Variant Classification Criteria 13 December 2019. Collection method: clinical testing. Allele origin: germline.
Comment: This variant was observed in the ICSL laboratory as part of a predisposition screen in an ostensibly healthy population. It had not been previously curated by ICSL or reported in the Human Gene Mutation Database (HGMD: prior to June 1st, 2018), and was therefore a candidate for classification through an automated scoring system. Utilizing variant allele frequency, disease prevalence and penetrance estimates, and inheritance mode, an automated score was calculated to assess if this variant is too frequent to cause the disease. Based on the score and internal cut-off values, a variant classified as benign is not then subjected to further curation. The score for this variant resulted in a classification of benign for this disease.

NM_003098.3(SNTA1):c.*342C>T

Gene: SNTA1 (syntrophin alpha 1; minus strand). Cytogenetic location: 20q11.21.
Variant type: single nucleotide variant.
Coding change: c.*342C>T on transcript NM_003098.3 (MANE Select); 342 bases downstream of the stop codon, C replaced by T.
Molecular consequence: 3 prime UTR variant.
Genome position (GRCh38, 1-based): chr20:33,408,165, G>A on the plus strand (C>T on the coding strand, the complement: SNTA1 is on the minus strand). VCF-style: chr20-33408165-G-A. GRCh37 (hg19) VCF-style: chr20-31995971-G-A.
Identifiers: ClinVar variation 338207 (VCV000338207.6), dbSNP rs150740903, ClinGen allele CA10649612.